The following is an entry in ClinVar:

ClinVar aggregate classification (germline): Pathogenic (1 of 4 stars; one submission).

Submission:

Labcorp Genetics (formerly Invitae), Labcorp
Classification: Pathogenic. Last evaluated: 2023-06-14. Review status: criteria provided, single submitter. Criteria: Invitae Variant Classification Sherloc (09022015). Collection method: clinical testing. Allele origin: germline.
Comment: For these reasons, this variant has been classified as Pathogenic. This variant has not been reported in the literature in individuals affected with ABCA3-related conditions. This variant is not present in population databases (gnomAD no frequency). This sequence change creates a premature translational stop signal (p.Trp305*) in the ABCA3 gene. It is expected to result in an absent or disrupted protein product. Loss-of-function variants in ABCA3 are known to be pathogenic (PMID: 27516224).

Literature cited by the submitters: PubMed 27516224.

NM_001089.3(ABCA3):c.914G>A (p.Trp305Ter)

Gene: ABCA3 (ATP binding cassette subfamily A member 3; minus strand). Cytogenetic location: 16p13.3.
Variant type: single nucleotide variant.
Coding change: c.914G>A on transcript NM_001089.3 (MANE Select); coding-DNA position 914, G replaced by A.
Protein change: p.Trp305Ter; replaces tryptophan 305 with a stop codon.
Molecular consequence: nonsense.
Genome position (GRCh38, 1-based): chr16:2,317,724, C>T on the plus strand (G>A on the coding strand, the complement: ABCA3 is on the minus strand). VCF-style: chr16-2317724-C-T. GRCh37 (hg19) VCF-style: chr16-2367725-C-T.
Other names: short protein forms W305*.
Identifiers: ClinVar variation 2714319 (VCV002714319.3), dbSNP rs919615608, ClinGen allele CA276843122.